The following is an entry in ClinVar:

ClinVar aggregate classification (germline): Benign/Likely benign. Review status: criteria provided, multiple submitters, no conflicts (2 of 4 stars). 4 submissions from 4 submitters: Benign (1); Likely benign (3). Last evaluated 2026-01-28.

Conditions:
Tuberous sclerosis 2 (TSC2). Identifiers: Orphanet 805, MedGen C1860707, MONDO:0013199, OMIM 613254.

Allele frequency attached by ClinVar (database versions not stated): gnomAD 0.00011; gnomAD exomes 0.00011 and 0.00021; TOPMed 0.00016; ExAC 0.00024; ESP Exome Variant Server 0.00031.
gnomAD v4.1: 186 of 1,612,604 alleles (0.012%); highest among the groups gnomAD compares: Admixed American, 0.0083%; no homozygotes.

Submissions (4):

Labcorp Genetics (formerly Invitae), Labcorp
Classification: Benign for Tuberous sclerosis 2. Last evaluated: 2026-01-28. Review status: criteria provided, single submitter. Criteria: Invitae Variant Classification Sherloc (09022015). Collection method: clinical testing. Allele origin: germline.

Blueprint Genetics
Classification: Likely benign. Last evaluated: 2024-05-29. Review status: criteria provided, single submitter. Criteria: ACMG Guidelines, 2015. Collection method: clinical testing. Allele origin: germline.

KCCC/NGS Laboratory, Kuwait Cancer Control Center
Classification: Likely benign for Tuberous sclerosis 2. Last evaluated: 2023-07-07. Review status: criteria provided, single submitter. Criteria: ACMG Guidelines, 2015. Collection method: clinical testing. Allele origin: germline. Affected: yes.

GeneDx
Classification: Likely benign. Last evaluated: 2016-09-07. Review status: criteria provided, single submitter. Criteria: GeneDx Variant Classification (06012015). Collection method: clinical testing. Allele origin: germline. Affected: yes.
Comment: This variant is considered likely benign or benign based on one or more of the following criteria: it is a conservative change, it occurs at a poorly conserved position in the protein, it is predicted to be benign by multiple in silico algorithms, and/or has population frequency not consistent with disease.

NM_000548.5(TSC2):c.1946+20C>T

Gene: TSC2 (TSC complex subunit 2; plus strand). Cytogenetic location: 16p13.3.
Variant type: single nucleotide variant.
Coding change: c.1946+20C>T on transcript NM_000548.5 (MANE Select); 20 bases into the intron after coding-DNA position 1946, C replaced by T.
Molecular consequence: intron variant.
Genome position (GRCh38, 1-based): chr16:2,071,636, C>T. VCF-style: chr16-2071636-C-T. GRCh37 (hg19) VCF-style: chr16-2121637-C-T.
Other names: c.1946+20C>T (NM_000548.4, NM_001114382.3, NM_021055.3 and 4 more transcripts); c.1835+20C>T (NM_001318827.2); c.1346+20C>T (NM_001318831.2); c.1799+20C>T (NM_001318829.2); c.1979+20C>T (NM_001318832.2).
Identifiers: ClinVar variation 378784 (VCV000378784.12), dbSNP rs372149311, ClinGen allele CA034724.
Genomic context (GRCh38, chr16:2,071,636, plus strand): 5'-GGAGTCGTGCGGTTCAGCCCCTACTGCGTCTGCGACTACATGTACGCGGGACCTCGCCCA[C>T]GGCCCATGAGGCTCAGGGCGTCAGAGGCGCTGGGGCTGTGGTGGCGCTGTTTGCATGTCT-3'